The following is an entry in ClinVar:

ClinVar aggregate classification (germline): Uncertain significance (1 of 4 stars; one submission).

Submission:

Labcorp Genetics (formerly Invitae), Labcorp
Classification: Uncertain significance. Last evaluated: 2024-09-10. Review status: criteria provided, single submitter. Criteria: Invitae Variant Classification Sherloc (09022015). Collection method: clinical testing. Allele origin: germline.
Comment: This sequence change replaces lysine, which is basic and polar, with arginine, which is basic and polar, at codon 27 of the PDE4D protein (p.Lys27Arg). This variant is not present in population databases (gnomAD no frequency). This variant has not been reported in the literature in individuals affected with PDE4D-related conditions. ClinVar contains an entry for this variant (Variation ID: 1517365). Experimental studies and prediction algorithms are not available or were not evaluated, and the functional significance of this variant is currently unknown. In summary, the available evidence is currently insufficient to determine the role of this variant in disease. Therefore, it has been classified as a Variant of Uncertain Significance.

NM_001104631.2(PDE4D):c.80A>G (p.Lys27Arg)

Gene: PDE4D (phosphodiesterase 4D; minus strand). Cytogenetic location: 5q12.1.
Variant type: single nucleotide variant.
Coding change: c.80A>G on transcript NM_001104631.2 (MANE Select); coding-DNA position 80, A replaced by G.
Protein change: p.Lys27Arg; replaces lysine 27 with arginine.
Molecular consequence: missense variant. On other transcripts: intron variant (5).
Genome position (GRCh38, 1-based): chr5:59,893,543, T>C on the plus strand (A>G on the coding strand, the complement: PDE4D is on the minus strand). VCF-style: chr5-59893543-T-C. GRCh37 (hg19) VCF-style: chr5-59189370-T-C.
Other names: c.272+94945A>G (NM_001364599.1, NM_001165899.2, NM_001364600.2); c.-240+94945A>G (NM_001349243.2); c.242+94945A>G (NM_001349241.2); short protein forms K27R.
Identifiers: ClinVar variation 1517365 (VCV001517365.6), dbSNP rs2152756577, ClinGen allele CA359933138.